The following is an entry in ClinVar:

NM_172240.3(POC1B):c.220T>G (p.Leu74Val)

Genes: POC1B-DUSP6 (POC1B-DUSP6 readthrough; minus strand), POC1B (POC1 centriolar protein B; minus strand). Cytogenetic location: 12q21.33.
Variant type: single nucleotide variant.
Coding change: c.220T>G on transcript NM_172240.3 (MANE Select); coding-DNA position 220, T replaced by G.
Protein change: p.Leu74Val; replaces leucine 74 with valine.
Molecular consequence: missense variant.
Genome position (GRCh38, 1-based): chr12:89,497,223, A>C on the plus strand (T>G on the coding strand, the complement: POC1B is on the minus strand). VCF-style: chr12-89497223-A-C. GRCh37 (hg19) VCF-style: chr12-89891000-A-C.
Other names: c.94T>G, p.Leu32Val (NM_001199777.2); short protein forms L74V, L32V.
Identifiers: ClinVar variation 2005142 (VCV002005142.4), dbSNP rs2540486916, ClinGen allele CA385993630.

ClinVar aggregate classification (germline): Uncertain significance (1 of 4 stars; one submission).

Submission:

Labcorp Genetics (formerly Invitae), Labcorp
Classification: Uncertain significance. Last evaluated: 2022-06-12. Review status: criteria provided, single submitter. Criteria: Invitae Variant Classification Sherloc (09022015). Collection method: clinical testing. Allele origin: germline.
Comment: In summary, the available evidence is currently insufficient to determine the role of this variant in disease. Therefore, it has been classified as a Variant of Uncertain Significance. Advanced modeling of protein sequence and biophysical properties (such as structural, functional, and spatial information, amino acid conservation, physicochemical variation, residue mobility, and thermodynamic stability) performed at Invitae indicates that this missense variant is not expected to disrupt POC1B protein function. This variant has not been reported in the literature in individuals affected with POC1B-related conditions. This variant is not present in population databases (gnomAD no frequency). This sequence change replaces leucine, which is neutral and non-polar, with valine, which is neutral and non-polar, at codon 74 of the POC1B protein (p.Leu74Val).